The following is an entry in ClinVar:

ClinVar aggregate classification (germline): Uncertain significance (1 of 4 stars; one submission).

Submission:

GeneDx
Classification: Uncertain significance. Last evaluated: 2023-01-17. Review status: criteria provided, single submitter. Criteria: GeneDx Variant Classification Process June 2021. Collection method: clinical testing. Allele origin: germline. Affected: yes.
Comment: Not observed at significant frequency in large population cohorts (gnomAD); In silico analysis supports a deleterious effect on splicing; Has not been previously published as pathogenic or benign to our knowledge

NM_203475.3(PORCN):c.329+3A>G

Gene: PORCN (porcupine O-acyltransferase; plus strand). Cytogenetic location: Xp11.23.
Variant type: single nucleotide variant.
Coding change: c.329+3A>G on transcript NM_203475.3 (MANE Select); 3 bases into the intron after coding-DNA position 329, A replaced by G.
Molecular consequence: intron variant.
Genome position (GRCh38, 1-based): chrX:48,511,490, A>G. VCF-style: chrX-48511490-A-G. GRCh37 (hg19) VCF-style: chrX-48369878-A-G.
Other names: c.116+3A>G (NM_001282167.2); c.329+3A>G (NM_203473.3, NM_022825.4, NM_203474.1).
Identifiers: ClinVar variation 2572934 (VCV002572934.1), dbSNP rs2519444675, ClinGen allele CA2580617029.